The following is an entry in ClinVar:

ClinVar aggregate classification (germline): Uncertain significance. Review status: criteria provided, multiple submitters, no conflicts (2 of 4 stars). 2 submissions from 2 submitters: Uncertain significance (2). Last evaluated 2025-12-24.

Conditions:
Inborn genetic diseases. Identifiers: MedGen C0950123, MeSH D030342.

Allele frequency attached by ClinVar (database versions not stated): ExAC 0.00002; gnomAD exomes 0.00002 and 0.00004; gnomAD 0.00003; TOPMed 0.00004; ESP Exome Variant Server 0.00008.
gnomAD v4.1: 58 of 1,613,420 alleles (0.0036%); highest among the groups gnomAD compares: Non-Finnish European, 0.0045%; no homozygotes.

Submissions (2):

Labcorp Genetics (formerly Invitae), Labcorp
Classification: Uncertain significance. Last evaluated: 2025-12-24. Review status: criteria provided, single submitter. Criteria: Invitae Variant Classification Sherloc (09022015). Collection method: clinical testing. Allele origin: germline.
Comment: This sequence change replaces arginine, which is basic and polar, with tryptophan, which is neutral and slightly polar, at codon 360 of the LYN protein (p.Arg360Trp). This variant is present in population databases (rs144335088, gnomAD 0.004%). This variant has not been reported in the literature in individuals affected with LYN-related conditions. ClinVar contains an entry for this variant (Variation ID: 1345363). An algorithm developed to predict the effect of missense changes on protein structure and function (PolyPhen-2) suggests that this variant is likely to be disruptive. In summary, the available evidence is currently insufficient to determine the role of this variant in disease. Therefore, it has been classified as a Variant of Uncertain Significance.

Ambry Genetics
Classification: Uncertain significance for Inborn genetic diseases. Last evaluated: 2023-12-15. Review status: criteria provided, single submitter. Criteria: Ambry Variant Classification Scheme 2023. Collection method: clinical testing. Allele origin: germline.

NM_002350.4(LYN):c.1078C>T (p.Arg360Trp)

Gene: LYN (LYN proto-oncogene, Src family tyrosine kinase; plus strand). Cytogenetic location: 8q12.1.
Variant type: single nucleotide variant.
Coding change: c.1078C>T on transcript NM_002350.4 (MANE Select); coding-DNA position 1078, C replaced by T.
Protein change: p.Arg360Trp; replaces arginine 360 with tryptophan.
Molecular consequence: missense variant.
Genome position (GRCh38, 1-based): chr8:55,998,373, C>T. VCF-style: chr8-55998373-C-T. GRCh37 (hg19) VCF-style: chr8-56910932-C-T.
Other names: c.1078C>T (NM_002350.3); c.1015C>T, p.Arg339Trp (NM_001111097.3); short protein forms R360W, R339W.
Identifiers: ClinVar variation 1345363 (VCV001345363.9), dbSNP rs144335088, ClinGen allele CA4754185.